The following is an entry in ClinVar:

ClinVar aggregate classification (germline): Pathogenic (0 of 4 stars; one submission).

Conditions:
Dentatorubral-pallidoluysian atrophy (DRPLA). Also called: ATAXIA, CHOREA, SEIZURES, AND DEMENTIA; MYOCLONIC EPILEPSY WITH CHOREOATHETOSIS; HAW RIVER SYNDROME; Naito Oyanagi disease. Identifiers: Orphanet 101, MedGen C0751781, MONDO:0007435, OMIM 125370.

Submission:

GeneReviews
Classification: Pathogenic for DRPLA. Last evaluated: 2010-06-01. Review status: no assertion criteria provided. Collection method: curation. Allele origin: unknown.
ClinVar note: Converted during submission from pathologic to Pathogenic.

NM_001007026.1(ATN1):c.1462CAG[49_55] (p.Gln488[49_55])

Genes: ATN1 (atrophin 1; plus strand), LOC109461484 (atrophin 1 repeat instability region; plus strand). Cytogenetic location: 12p13.31.
Variant type: Microsatellite.
Coding change: c.1462CAG[49_55] on transcript NM_001007026.1.
Protein change: p.Gln488[49_55].
Identifiers: ClinVar variation 37031 (VCV000037031.3), dbSNP rs60216939.